The following is an entry in ClinVar:

ClinVar aggregate classification (germline): Uncertain significance. Review status: criteria provided, multiple submitters, no conflicts (2 of 4 stars). 2 submissions from 2 submitters: Uncertain significance (2). Last evaluated 2025-12-15.

Conditions:
Combined oxidative phosphorylation defect type 14. Also called: Combined oxidative phosphorylation deficiency 14. Identifiers: Orphanet 319519, MedGen C4755312, MONDO:0013986, OMIM 614946.

Allele frequency attached by ClinVar (database versions not stated): TOPMed 0.00001; gnomAD 0.00003; gnomAD exomes 0.00005 and 0.00006.
gnomAD v4.1: 92 of 1,614,004 alleles (0.0057%); highest among the groups gnomAD compares: Admixed American, 0.017%; no homozygotes.

Submissions (2):

Labcorp Genetics (formerly Invitae), Labcorp
Classification: Uncertain significance for Combined oxidative phosphorylation defect type 14. Last evaluated: 2025-12-15. Review status: criteria provided, single submitter. Criteria: Invitae Variant Classification Sherloc (09022015). Collection method: clinical testing. Allele origin: germline.
Comment: This sequence change replaces arginine, which is basic and polar, with cysteine, which is neutral and slightly polar, at codon 104 of the FARS2 protein (p.Arg104Cys). This variant is present in population databases (no rsID available, gnomAD 0.02%). This variant has not been reported in the literature in individuals affected with FARS2-related conditions. ClinVar contains an entry for this variant (Variation ID: 587649). Invitae Evidence Modeling of protein sequence and biophysical properties (such as structural, functional, and spatial information, amino acid conservation, physicochemical variation, residue mobility, and thermodynamic stability) indicates that this missense variant is not expected to disrupt FARS2 protein function with a negative predictive value of 80%. In summary, the available evidence is currently insufficient to determine the role of this variant in disease. Therefore, it has been classified as a Variant of Uncertain Significance.

Wong Mito Lab, Molecular and Human Genetics, Baylor College of Medicine
Classification: Uncertain significance for Combined oxidative phosphorylation deficiency 14. Last evaluated: 2018-06-13. Review status: criteria provided, single submitter. Criteria: ACMG Guidelines, 2015. Collection method: clinical testing. Allele origin: germline.

NM_006567.5(FARS2):c.310C>T (p.Arg104Cys)

Genes: FARS2 (phenylalanyl-tRNA synthetase 2, mitochondrial; plus strand), LOC126859565 (CDK7 strongly-dependent group 2 enhancer GRCh37_chr6:5368745-5369944; plus strand). Cytogenetic location: 6p25.1.
Variant type: single nucleotide variant.
Coding change: c.310C>T on transcript NM_006567.5 (MANE Select); coding-DNA position 310, C replaced by T.
Protein change: p.Arg104Cys; replaces arginine 104 with cysteine.
Molecular consequence: missense variant. On other transcripts: intron variant (2).
Genome position (GRCh38, 1-based): chr6:5,368,880, C>T. VCF-style: chr6-5368880-C-T. GRCh37 (hg19) VCF-style: chr6-5369113-C-T.
Other names: c.310C>T, p.Arg104Cys (NM_001318872.2, NM_001374875.1, NM_001374876.1 and 5 more transcripts); c.-340-27753C>T (NM_001375260.1); c.-84-35662C>T (NM_001375259.1); short protein forms R104C.
Identifiers: ClinVar variation 587649 (VCV000587649.8), dbSNP rs982485775, ClinGen allele CA134301547.